The following is an entry in ClinVar:

ClinVar aggregate classification (germline): Uncertain significance (1 of 4 stars; one submission).

Conditions:
FG syndrome (FGS). Identifiers: MedGen C0220769, MONDO:0002010.

Allele frequency attached by ClinVar (database versions not stated): gnomAD exomes 0.00002.
gnomAD v4.1: 22 of 1,209,757 alleles (0.0018%); highest among the groups gnomAD compares: Non-Finnish European, 0.0025%; no homozygotes.

Submission:

Labcorp Genetics (formerly Invitae), Labcorp
Classification: Uncertain significance for FG syndrome. Last evaluated: 2022-09-27. Review status: criteria provided, single submitter. Criteria: Invitae Variant Classification Sherloc (09022015). Collection method: clinical testing. Allele origin: germline.
Comment: This variant has not been reported in the literature in individuals affected with MED12-related conditions. This sequence change replaces aspartic acid, which is acidic and polar, with glycine, which is neutral and non-polar, at codon 638 of the MED12 protein (p.Asp638Gly). This variant is not present in population databases (gnomAD no frequency). Advanced modeling of protein sequence and biophysical properties (such as structural, functional, and spatial information, amino acid conservation, physicochemical variation, residue mobility, and thermodynamic stability) performed at Invitae indicates that this missense variant is not expected to disrupt MED12 protein function. In summary, the available evidence is currently insufficient to determine the role of this variant in disease. Therefore, it has been classified as a Variant of Uncertain Significance.

NM_005120.3(MED12):c.1913A>G (p.Asp638Gly)

Gene: MED12 (mediator complex subunit 12; plus strand). Cytogenetic location: Xq13.1.
Variant type: single nucleotide variant.
Coding change: c.1913A>G on transcript NM_005120.3 (MANE Select); coding-DNA position 1913, A replaced by G.
Protein change: p.Asp638Gly; replaces aspartic acid 638 with glycine.
Molecular consequence: missense variant.
Genome position (GRCh38, 1-based): chrX:71,124,327, A>G. VCF-style: chrX-71124327-A-G. GRCh37 (hg19) VCF-style: chrX-70344177-A-G.
Other names: short protein forms D638G.
Identifiers: ClinVar variation 1997313 (VCV001997313.4), dbSNP rs1602296844, ClinGen allele CA413509861.